The following is an entry in ClinVar:

ClinVar aggregate classification (germline): Uncertain significance. Review status: criteria provided, multiple submitters, no conflicts (2 of 4 stars). 2 submissions from 2 submitters: Uncertain significance (2). Last evaluated 2025-12-15.

Conditions:
Pulmonary fibrosis and/or bone marrow failure, Telomere-related, 3. Also called: PULMONARY FIBROSIS AND/OR BONE MARROW FAILURE SYNDROME, TELOMERE-RELATED, 3. Identifiers: Orphanet 2032, MedGen C4225346, MONDO:0014613, OMIM 616373.
Dyskeratosis congenita, autosomal recessive 5 (DKCB5). Identifiers: MedGen C3554656, MONDO:0014076, OMIM 615190.

Submissions (2):

Labcorp Genetics (formerly Invitae), Labcorp
Classification: Uncertain significance for Dyskeratosis congenita, autosomal recessive 5; Pulmonary fibrosis and/or bone marrow failure, Telomere-related, 3. Last evaluated: 2025-12-15. Review status: criteria provided, single submitter. Criteria: Invitae Variant Classification Sherloc (09022015). Collection method: clinical testing. Allele origin: germline.
Comment: This sequence change replaces proline, which is neutral and non-polar, with alanine, which is neutral and non-polar, at codon 759 of the RTEL1 protein (p.Pro759Ala). Information on the frequency of this variant in the gnomAD database is not available, as this variant may be reported differently in the database. This missense change has been observed in individual(s) with clinical features of RTEL1-related conditions (PMID: 31268371). ClinVar contains an entry for this variant (Variation ID: 664672). Experimental studies and prediction algorithms are not available or were not evaluated, and the functional significance of this variant is currently unknown. In summary, the available evidence is currently insufficient to determine the role of this variant in disease. Therefore, it has been classified as a Variant of Uncertain Significance.

Mayo Clinic Laboratories, Mayo Clinic
Classification: Uncertain significance. Last evaluated: 2022-09-09. Review status: criteria provided, single submitter. Criteria: ACMG Guidelines, 2015. Collection method: clinical testing. Allele origin: germline. Observed: 1 variant allele.
Comment: PM2_supporting

Literature cited by the submitters: PubMed 31268371 (cited by Labcorp Genetics (formerly Invitae), Labcorp).

NM_001283009.2(RTEL1):c.2274_2275delinsAG (p.Pro759Ala)

Genes: RTEL1-TNFRSF6B (RTEL1-TNFRSF6B readthrough (NMD candidate); plus strand), RTEL1 (regulator of telomere elongation helicase 1; plus strand). Cytogenetic location: 20q13.33.
Variant type: Indel.
Coding change: c.2274_2275delinsAG on transcript NM_001283009.2 (MANE Select); coding-DNA positions 2274 to 2275, GC replaced by AG.
Protein change: p.Pro759Ala; replaces proline 759 with alanine.
Molecular consequence: missense variant. On other transcripts: non-coding transcript variant (1).
Genome position (GRCh38, 1-based): chr20:63,690,302-63,690,303, GC replaced by AG. VCF-style: chr20-63690302-GC-AG. GRCh37 (hg19) VCF-style: chr20-62321655-GC-AG.
Other names: p.Pro783Ala; c.2274_2275delGCinsAG (NM_001283009.1); c.2346_2347delinsAG (NM_032957.4); c.1605_1606delinsAG, p.Pro536Ala (NM_001283010.1); c.2274_2275delinsAG, p.Pro759Ala (NM_016434.4); c.2346_2347delinsAG, p.Pro783Ala (NM_032957.5); short protein forms P536A, P759A, P783A.
Identifiers: ClinVar variation 664672 (VCV000664672.7), dbSNP rs1601171438, ClinGen allele CA915952587.